The following is an entry in ClinVar:

NM_015662.3(IFT172):c.4664C>G (p.Thr1555Ser)

Genes: IFT172 (intraflagellar transport 172; minus strand), KRTCAP3 (keratinocyte associated protein 3; plus strand). Cytogenetic location: 2p23.3.
Variant type: single nucleotide variant.
Coding change: c.4664C>G on transcript NM_015662.3 (MANE Select); coding-DNA position 4664, C replaced by G.
Protein change: p.Thr1555Ser; replaces threonine 1555 with serine.
Molecular consequence: missense variant. On other transcripts: 3 prime UTR variant (1).
Genome position (GRCh38, 1-based): chr2:27,446,351, G>C on the plus strand (C>G on the coding strand, the complement: IFT172 is on the minus strand). VCF-style: chr2-27446351-G-C. GRCh37 (hg19) VCF-style: chr2-27669218-G-C.
Other names: c.*56G>C (NM_001168364.2); c.4598C>G, p.Thr1533Ser (NM_001410739.1); short protein forms T1533S, T1555S.
Identifiers: ClinVar variation 3348401 (VCV003348401.1).
Genomic context (GRCh38, chr2:27,446,351, plus strand): 5'-TTGTCTACAGGTAGTAGCTGGGTGTGACGCAAGAGTGAAACAGAAAGCCTGGCAGCCACG[G>C]TTTCCTGGGATTAAAGTCAAAGCATTATGAATATGGCACTAAAGTGACTGAGCTACCAGA-3'
Protein context (NP_056477.1, residues 1545-1565): SAAQSVKQLE[Thr1555Ser]VAARLSVSLL

ClinVar aggregate classification (germline): Uncertain significance (0 of 4 stars; one submission).

Conditions:
IFT172-related disorder. Also called: IFT172-related condition; IFT172-related disorders.

Submission:

PreventionGenetics, part of Exact Sciences
Classification: Uncertain significance for IFT172-related condition. Last evaluated: 2023-11-09. Review status: no assertion criteria provided. Collection method: clinical testing. Allele origin: germline.
Comment: The IFT172 c.4664C>G variant is predicted to result in the amino acid substitution p.Thr1555Ser. To our knowledge, this variant has not been reported in the literature or in a large population database, indicating this variant is rare. At this time, the clinical significance of this variant is uncertain due to the absence of conclusive functional and genetic evidence.